The following is an entry in ClinVar:

NM_014159.7(SETD2):c.94A>G (p.Ile32Val)

Gene: SETD2 (SET domain containing 2, histone lysine methyltransferase; minus strand). Cytogenetic location: 3p21.31.
Variant type: single nucleotide variant.
Coding change: c.94A>G on transcript NM_014159.7 (MANE Select); coding-DNA position 94, A replaced by G.
Protein change: p.Ile32Val; replaces isoleucine 32 with valine.
Molecular consequence: missense variant. On other transcripts: 5 prime UTR variant (1), non-coding transcript variant (1).
Genome position (GRCh38, 1-based): chr3:47,124,542, T>C on the plus strand (A>G on the coding strand, the complement: SETD2 is on the minus strand). VCF-style: chr3-47124542-T-C. GRCh37 (hg19) VCF-style: chr3-47166032-T-C.
Other names: c.-39A>G (NM_001349370.3); short protein forms I32V.
Identifiers: ClinVar variation 579178 (VCV000579178.5), dbSNP rs1170321784, ClinGen allele CA352538620.
Genomic context (GRCh38, chr3:47,124,542, plus strand): 5'-TAGAAGCAACACCTTTGAACATTGGTCCTTTGATGAAACCTGTTTTCTGCACATTTTCAA[T>C]CTTTGCCTACAAATGAACAAAATAAGCAATTACTACTACAATAAATAGTTACTTTCAAAT-3'
Protein context (NP_054878.5, residues 22-42): TPEEEENEAK[Ile32Val]ENVQKTGFIK

ClinVar aggregate classification (germline): Uncertain significance (1 of 4 stars; one submission).

Conditions:
Luscan-Lumish syndrome. Identifiers: Orphanet 597738, MedGen C4085873, MONDO:0014791, OMIM 616831.

Allele frequency attached by ClinVar (database versions not stated): gnomAD 0.00001; gnomAD exomes 0.00001; TOPMed 0.00001.
gnomAD v4.1: 11 of 1,539,504 alleles (0.00071%); highest among the groups gnomAD compares: Non-Finnish European, 0.00097%; no homozygotes.

Submission:

Labcorp Genetics (formerly Invitae), Labcorp
Classification: Uncertain significance for Luscan-Lumish syndrome. Last evaluated: 2022-07-18. Review status: criteria provided, single submitter. Criteria: Invitae Variant Classification Sherloc (09022015). Collection method: clinical testing. Allele origin: germline.
Comment: ClinVar contains an entry for this variant (Variation ID: 579178). In summary, the available evidence is currently insufficient to determine the role of this variant in disease. Therefore, it has been classified as a Variant of Uncertain Significance. Algorithms developed to predict the effect of sequence changes on RNA splicing suggest that this variant may create or strengthen a splice site. Algorithms developed to predict the effect of missense changes on protein structure and function (SIFT, PolyPhen-2, Align-GVGD) all suggest that this variant is likely to be tolerated. This variant has not been reported in the literature in individuals affected with SETD2-related conditions. This variant is present in population databases (no rsID available, gnomAD 0.004%). This sequence change replaces isoleucine, which is neutral and non-polar, with valine, which is neutral and non-polar, at codon 32 of the SETD2 protein (p.Ile32Val).